The following is an entry in ClinVar:

ClinVar aggregate classification (germline): Uncertain significance (1 of 4 stars; one submission).

Allele frequency attached by ClinVar (database versions not stated): gnomAD 0.00001; gnomAD exomes 0.00001 and 0.00002; ExAC 0.00002; TOPMed below 0.00001.

Submission:

Labcorp Genetics (formerly Invitae), Labcorp
Classification: Uncertain significance. Last evaluated: 2022-07-05. Review status: criteria provided, single submitter. Criteria: Invitae Variant Classification Sherloc (09022015). Collection method: clinical testing. Allele origin: germline.
Comment: In summary, the available evidence is currently insufficient to determine the role of this variant in disease. Therefore, it has been classified as a Variant of Uncertain Significance. Algorithms developed to predict the effect of missense changes on protein structure and function are either unavailable or do not agree on the potential impact of this missense change (SIFT: "Tolerated"; PolyPhen-2: "Possibly Damaging"; Align-GVGD: "Class C0"). ClinVar contains an entry for this variant (Variation ID: 1045117). This variant has not been reported in the literature in individuals affected with ATF6-related conditions. This variant is present in population databases (rs770954768, gnomAD 0.02%). This sequence change replaces arginine, which is basic and polar, with lysine, which is basic and polar, at codon 308 of the ATF6 protein (p.Arg308Lys).

NM_007348.4(ATF6):c.923G>A (p.Arg308Lys)

Gene: ATF6 (activating transcription factor 6; plus strand). Cytogenetic location: 1q23.3.
Variant type: single nucleotide variant.
Coding change: c.923G>A on transcript NM_007348.4 (MANE Select); coding-DNA position 923, G replaced by A.
Protein change: p.Arg308Lys; replaces arginine 308 with lysine.
Molecular consequence: missense variant.
Genome position (GRCh38, 1-based): chr1:161,819,646, G>A. VCF-style: chr1-161819646-G-A. GRCh37 (hg19) VCF-style: chr1-161789436-G-A.
Other names: short protein forms R308K.
Identifiers: ClinVar variation 1045117 (VCV001045117.5), dbSNP rs770954768, ClinGen allele CA1214324.
Genomic context (GRCh38, chr1:161,819,646, plus strand): 5'-TCTGATTTTAAAACCAGGGTATTCTGATTCATTATAACTTTTTCTAGATTGCTGTGCTAA[G>A]GAGACAGCAACGTATGATAAAAAATCGAGAATCCGCTTGTCAGTCTCGCAAGAAGAAGAA-3'
Protein context (NP_031374.2, residues 298-318): RNVGSDIAVL[Arg308Lys]RQQRMIKNRE